The following is an entry in ClinVar:

ClinVar aggregate classification (germline): Uncertain significance (1 of 4 stars; one submission).

Submission:

Labcorp Genetics (formerly Invitae), Labcorp
Classification: Uncertain significance. Last evaluated: 2022-08-16. Review status: criteria provided, single submitter. Criteria: Invitae Variant Classification Sherloc (09022015). Collection method: clinical testing. Allele origin: germline.
Comment: This sequence change replaces lysine, which is basic and polar, with arginine, which is basic and polar, at codon 1015 of the IMPG2 protein (p.Lys1015Arg). In summary, the available evidence is currently insufficient to determine the role of this variant in disease. Therefore, it has been classified as a Variant of Uncertain Significance. This variant is not present in population databases (gnomAD no frequency). This variant has not been reported in the literature in individuals affected with IMPG2-related conditions. ClinVar contains an entry for this variant (Variation ID: 1386052). Algorithms developed to predict the effect of missense changes on protein structure and function (SIFT, PolyPhen-2, Align-GVGD) all suggest that this variant is likely to be disruptive. Algorithms developed to predict the effect of sequence changes on RNA splicing suggest that this variant may create or strengthen a splice site.

NM_016247.4(IMPG2):c.3044A>G (p.Lys1015Arg)

Gene: IMPG2 (interphotoreceptor matrix proteoglycan 2; minus strand). Cytogenetic location: 3q12.3.
Variant type: single nucleotide variant.
Coding change: c.3044A>G on transcript NM_016247.4 (MANE Select); coding-DNA position 3044, A replaced by G.
Protein change: p.Lys1015Arg; replaces lysine 1015 with arginine.
Molecular consequence: missense variant.
Genome position (GRCh38, 1-based): chr3:101,232,970, T>C on the plus strand (A>G on the coding strand, the complement: IMPG2 is on the minus strand). VCF-style: chr3-101232970-T-C. GRCh37 (hg19) VCF-style: chr3-100951814-T-C.
Other names: short protein forms K1015R.
Identifiers: ClinVar variation 1386052 (VCV001386052.6), dbSNP rs1220285957, ClinGen allele CA353850831.